The following is an entry in ClinVar:

NM_002180.3(IGHMBP2):c.521_522insA (p.Ala175fs)

Gene: IGHMBP2 (immunoglobulin mu DNA binding protein 2; plus strand). Cytogenetic location: 11q13.3.
Variant type: Insertion.
Coding change: c.521_522insA on transcript NM_002180.3 (MANE Select); coding-DNA positions 521 to 522, A inserted.
Protein change: p.Ala175fs; shifts the reading frame from alanine 175.
Molecular consequence: frameshift variant.
Genome position: GRCh38 VCF-style: chr11-68908605-C-CA. GRCh37 (hg19) VCF-style: chr11-68676073-C-CA.
Other names: short protein forms A175fs.
Identifiers: ClinVar variation 5003139 (VCV005003139.1).

ClinVar aggregate classification (germline): Likely pathogenic (1 of 4 stars; one submission).

Submission:

OLLIN Analises Genomicas, OLLIN
Classification: Likely pathogenic. Last evaluated: 2026-08-06. Review status: criteria provided, single submitter. Criteria: ACMG Guidelines 2015 PMID 25741868. Collection method: clinical testing. Allele origin: germline.
Comment: This frameshift variant, located in exon 4 (of 15), is absent from gnomAD and ClinVar and has not been identified in the literature. This variant causes a frameshift and introduces a premature stop codon, which is predicted to result in either a truncated protein or degradation of the mRNA via nonsense-mediated decay (NMD). According to the currently available evidence, this variant has been classified as likely pathogenic (PVS1, PM2_P).